The following is an entry in ClinVar:

ClinVar aggregate classification (germline): Pathogenic (1 of 4 stars; one submission).

Conditions:
Kabuki syndrome. Also called: Kabuki make-up syndrome; NIIKAWA-KUROKI SYNDROME. Identifiers: Orphanet 2322, MedGen C0796004, MONDO:0016512.

Submission:

Labcorp Genetics (formerly Invitae), Labcorp
Classification: Pathogenic for Kabuki syndrome. Last evaluated: 2019-12-05. Review status: criteria provided, single submitter. Criteria: Invitae Variant Classification Sherloc (09022015). Collection method: clinical testing. Allele origin: germline.
Comment: For these reasons, this variant has been classified as Pathogenic. Loss-of-function variants in KMT2D are known to be pathogenic (PMID: 22126750). This variant has not been reported in the literature in individuals with KMT2D-related conditions. This variant is not present in population databases (ExAC no frequency). This sequence change creates a premature translational stop signal (p.Val5482Glyfs*7) in the KMT2D gene. It is expected to result in an absent or disrupted protein product.

Literature cited by the submitters: PubMed 22126750.

NM_003482.4(KMT2D):c.16445_16446del (p.Val5482fs)

Gene: KMT2D (lysine methyltransferase 2D; minus strand). Cytogenetic location: 12q13.12.
Variant type: Microsatellite.
Coding change: c.16445_16446del on transcript NM_003482.4 (MANE Select); coding-DNA positions 16445 to 16446, 2 bases deleted (TG; older notation c.16445_16446delTG).
Protein change: p.Val5482fs; shifts the reading frame from valine 5482.
Molecular consequence: frameshift variant.
Genome position (GRCh38, 1-based): chr12:49,022,118-49,022,119, CA deleted on the plus strand (TG on the coding strand, the reverse complement: KMT2D is on the minus strand); deleting any 2 consecutive bases within chr12:49,022,118-49,022,123 gives the same sequence; the c. name uses the placement nearest the transcript's 3' end. VCF-style (leftmost placement, unchanged base first): chr12-49022117-CCA-C. GRCh37 (hg19) VCF-style: chr12-49415900-CCA-C.
Other names: short protein forms V5482fs.
Identifiers: ClinVar variation 836929 (VCV000836929.7), dbSNP rs1942357670, ClinGen allele CA645594424.